The following is an entry in ClinVar:

NM_181458.4(PAX3):c.586+29T>C

Gene: PAX3 (paired box 3; minus strand). Cytogenetic location: 2q36.1.
Variant type: single nucleotide variant.
Coding change: c.586+29T>C on transcript NM_181458.4 (MANE Select); 29 bases into the intron after coding-DNA position 586, T replaced by C.
Molecular consequence: intron variant. On other transcripts: synonymous variant (1).
Genome position (GRCh38, 1-based): chr2:222,294,138, A>G on the plus strand (T>C on the coding strand, the complement: PAX3 is on the minus strand). VCF-style: chr2-222294138-A-G. GRCh37 (hg19) VCF-style: chr2-223158857-A-G.
Other names: c.615T>C, p.Thr205= (NM_000438.6); c.583+29T>C (NM_001127366.3); c.586+29T>C (NM_181460.4, NM_181461.4, NM_181459.4 and 2 more transcripts).
Identifiers: ClinVar variation 3030669 (VCV003030669.2), dbSNP rs2469470896, ClinGen allele CA2740096477.

ClinVar aggregate classification (germline): Likely benign (0 of 4 stars; one submission).

Conditions:
PAX3-related disorder. Also called: PAX3-related condition.

Submission:

PreventionGenetics, part of Exact Sciences
Classification: Likely benign for PAX3-related condition. Last evaluated: 2023-08-04. Review status: no assertion criteria provided. Collection method: clinical testing. Allele origin: germline.
Comment: This variant is classified as likely benign based on ACMG/AMP sequence variant interpretation guidelines (Richards et al. 2015 PMID: 25741868, with internal and published modifications).